The following is an entry in ClinVar:

ClinVar aggregate classification (germline): Uncertain significance (1 of 4 stars; one submission).

Submission:

Labcorp Genetics (formerly Invitae), Labcorp
Classification: Uncertain significance. Last evaluated: 2023-12-11. Review status: criteria provided, single submitter. Criteria: Invitae Variant Classification Sherloc (09022015). Collection method: clinical testing. Allele origin: germline.
Comment: This sequence change replaces serine, which is neutral and polar, with cysteine, which is neutral and slightly polar, at codon 1557 of the VCAN protein (p.Ser1557Cys). This variant is not present in population databases (gnomAD no frequency). This variant has not been reported in the literature in individuals affected with VCAN-related conditions. An algorithm developed to predict the effect of missense changes on protein structure and function (PolyPhen-2) suggests that this variant is likely to be disruptive. In summary, the available evidence is currently insufficient to determine the role of this variant in disease. Therefore, it has been classified as a Variant of Uncertain Significance.

NM_004385.5(VCAN):c.4670C>G (p.Ser1557Cys)

Genes: VCAN (versican; plus strand), VCAN-AS1 (VCAN antisense RNA 1; minus strand). Cytogenetic location: 5q14.3.
Variant type: single nucleotide variant.
Coding change: c.4670C>G on transcript NM_004385.5 (MANE Select); coding-DNA position 4670, C replaced by G.
Protein change: p.Ser1557Cys; replaces serine 1557 with cysteine.
Molecular consequence: missense variant. On other transcripts: intron variant (2).
Genome position (GRCh38, 1-based): chr5:83,537,673, C>G. VCF-style: chr5-83537673-C-G. GRCh37 (hg19) VCF-style: chr5-82833492-C-G.
Other names: c.1709C>G, p.Ser570Cys (NM_001164097.2); c.4004-7864C>G (NM_001164098.2); c.1043-7864C>G (NM_001126336.3); short protein forms S1557C, S570C.
Identifiers: ClinVar variation 2829611 (VCV002829611.3), dbSNP rs1487476133, ClinGen allele CA360308755.
Genomic context (GRCh38, chr5:83,537,673, plus strand): 5'-CTGAACCTGTATCTCTGTTTCCTGAAGAGTCTTCAGGAGAGATTGCCATTGACCAAGAAT[C>G]TCAGAAAATAGCCTTTGCAAGGGCTACAGAAGTAACATTTGGTGAAGAGGTAGAAAAAAG-3'
Protein context (NP_004376.2, residues 1547-1567): SSGEIAIDQE[Ser1557Cys]QKIAFARATE